The following is an entry in ClinVar:

NM_006891.4(CRYGD):c.471G>A (p.Trp157Ter)

Genes: CRYGD (crystallin gamma D; minus strand), LOC100507443 (uncharacterized LOC100507443; plus strand). Cytogenetic location: 2q33.3.
Variant type: single nucleotide variant.
Coding change: c.471G>A on transcript NM_006891.4 (MANE Select); coding-DNA position 471, G replaced by A.
Protein change: p.Trp157Ter; replaces tryptophan 157 with a stop codon.
Molecular consequence: nonsense.
Genome position (GRCh38, 1-based): chr2:208,121,727, C>T on the plus strand (G>A on the coding strand, the complement: CRYGD is on the minus strand). VCF-style: chr2-208121727-C-T. GRCh37 (hg19) VCF-style: chr2-208986451-C-T.
Other names: c.471G>A (NM_006891.3); short protein forms W157*.
Identifiers: ClinVar variation 1511929 (VCV001511929.9), dbSNP rs2105851392, ClinGen allele CA350091537.

ClinVar aggregate classification (germline): Pathogenic/Likely pathogenic. Review status: criteria provided, multiple submitters, no conflicts (2 of 4 stars). 2 submissions from 2 submitters: Pathogenic (1); Likely pathogenic (1). Last evaluated 2026-01-05.

Conditions:
Aculeiform cataract (CTRCT4). Also called: Fasciculiform cataract; Frosted cataract; Needle-shaped cataract. Identifiers: MedGen C1861832, HP:0010926.

Submissions (2):

Labcorp Genetics (formerly Invitae), Labcorp
Classification: Pathogenic for Aculeiform cataract. Last evaluated: 2026-01-05. Review status: criteria provided, single submitter. Criteria: Invitae Variant Classification Sherloc (09022015). Collection method: clinical testing. Allele origin: germline.
Comment: This sequence change creates a premature translational stop signal (p.Trp157*) in the CRYGD gene. While this is not anticipated to result in nonsense mediated decay, it is expected to disrupt the last 18 amino acid(s) of the CRYGD protein. This variant is not present in population databases (gnomAD no frequency). This premature translational stop signal has been observed in individuals with congenital cataract (PMID: 12011157, 27455011, 33243271; internal data). It has also been observed to segregate with disease in related individuals. ClinVar contains an entry for this variant (Variation ID: 1511929). Algorithms developed to predict the effect of variants on gene product structure and function are not available or were not evaluated for this variant. Experimental studies have shown that this premature translational stop signal affects CRYGD function (PMID: 10704279). For these reasons, this variant has been classified as Pathogenic.

GeneDx
Classification: Likely pathogenic. Last evaluated: 2023-07-10. Review status: criteria provided, single submitter. Criteria: GeneDx Variant Classification Process June 2021. Collection method: clinical testing. Allele origin: germline. Affected: yes.
Comment: Nonsense variant predicted to result in protein truncation as the last 18 amino acids are lost, although loss-of-function variants have not been reported downstream of this position in the protein; Not observed at significant frequency in large population cohorts (gnomAD); This variant is associated with the following publications: (PMID: 10704279, 12011157, 36246175, 23954869, 15037589, 27455011, 22876111, 28298635)

Literature cited by the submitters: PubMed 12011157 (cited by Labcorp Genetics (formerly Invitae), Labcorp); PubMed 27455011 (cited by Labcorp Genetics (formerly Invitae), Labcorp); PubMed 33243271 (cited by Labcorp Genetics (formerly Invitae), Labcorp); PubMed 10704279 (cited by Labcorp Genetics (formerly Invitae), Labcorp).